The following is an entry in ClinVar:

ClinVar aggregate classification (germline): Uncertain significance (1 of 4 stars; one submission).

Conditions:
BAP1-related tumor predisposition syndrome (TPDS1). Also called: Tumor susceptibility linked to germline BAP1 mutations; BAP1 tumor predisposition syndrome; COMMON Syndrome; TUMOR PREDISPOSITION SYNDROME 1. Identifiers: Orphanet 289539, MedGen C3280492, MONDO:0013692, OMIM 614327.

Submission:

Labcorp Genetics (formerly Invitae), Labcorp
Classification: Uncertain significance for BAP1-related tumor predisposition syndrome. Last evaluated: 2024-10-19. Review status: criteria provided, single submitter. Criteria: Invitae Variant Classification Sherloc (09022015). Collection method: clinical testing. Allele origin: germline.
Comment: This sequence change replaces alanine, which is neutral and non-polar, with threonine, which is neutral and polar, at codon 130 of the BAP1 protein (p.Ala130Thr). This variant is not present in population databases (gnomAD no frequency). This variant has not been reported in the literature in individuals affected with BAP1-related conditions. Invitae Evidence Modeling of protein sequence and biophysical properties (such as structural, functional, and spatial information, amino acid conservation, physicochemical variation, residue mobility, and thermodynamic stability) indicates that this missense variant is expected to disrupt BAP1 protein function with a positive predictive value of 80%. In summary, the available evidence is currently insufficient to determine the role of this variant in disease. Therefore, it has been classified as a Variant of Uncertain Significance.

NM_004656.4(BAP1):c.388G>A (p.Ala130Thr)

Gene: BAP1 (BRCA1 associated deubiquitinase 1; minus strand). Cytogenetic location: 3p21.1.
Variant type: single nucleotide variant.
Coding change: c.388G>A on transcript NM_004656.4 (MANE Select); coding-DNA position 388, G replaced by A.
Protein change: p.Ala130Thr; replaces alanine 130 with threonine.
Molecular consequence: missense variant.
Genome position (GRCh38, 1-based): chr3:52,407,448, C>T on the plus strand (G>A on the coding strand, the complement: BAP1 is on the minus strand). VCF-style: chr3-52407448-C-T. GRCh37 (hg19) VCF-style: chr3-52441464-C-T.
Other names: c.388G>A, p.Ala130Thr (NM_001410772.1); short protein forms A130T.
Identifiers: ClinVar variation 3692198 (VCV003692198.2).